The following is an entry in ClinVar:

NM_001048174.2(MUTYH):c.309_322dup (p.Met108fs)

Gene: MUTYH (mutY DNA glycosylase; minus strand). Cytogenetic location: 1p34.1.
Variant type: Duplication.
Coding change: c.309_322dup on transcript NM_001048174.2 (MANE Select); coding-DNA positions 309 to 322, 14 bases duplicated (GGTCTCAGAGGTCA).
Protein change: p.Met108fs; shifts the reading frame from methionine 108.
Molecular consequence: frameshift variant. On other transcripts: non-coding transcript variant (1), intron variant (2).
Genome position (GRCh38, 1-based): chr1:45,333,153-45,333,166, TGACCTCTGAGACC duplicated on the plus strand (GGTCTCAGAGGTCA on the coding strand, the reverse complement: MUTYH is on the minus strand). VCF-style (leftmost placement, unchanged base first): chr1-45333152-A-ATGACCTCTGAGACC. GRCh37 (hg19) VCF-style: chr1-45798824-A-ATGACCTCTGAGACC.
Other names: c.393_406dupGGTCTCAGAGGTCA (NM_001128425.1); c.309_322dup, p.Met108fs (NM_001048171.2, NM_001048173.2, NM_001293195.2); c.312_325dup, p.Met109fs (NM_001048172.2); c.393_406dup, p.Met136fs (NM_001128425.2); c.354_367dup, p.Met123fs (NM_001293190.2); c.342_355dup, p.Met119fs (NM_001293191.2); c.33_46dup, p.Met16fs (NM_001293192.2, NM_001293196.2); c.384_397dup, p.Met133fs (NM_012222.3); and 1 more; short protein forms M133fs, M108fs, M109fs, M119fs, M136fs, M123fs, M16fs.
Identifiers: ClinVar variation 406838 (VCV000406838.8), dbSNP rs1553129652, ClinGen allele CA16610125.
Genomic context (GRCh38, chr1:45,333,152, plus strand): 5'-GTCACCTGCATCCATCCGGTATAGTAGTTGATCACAGTGGCAACCTGGGTCTGCTGCAGC[A>ATGACCTCTGAGACC]TGACCTCTGAGACCCACACTGGGGGAAAGGGGTTGGCATGAGGACACTGCTGACCTGCCC-3'

ClinVar aggregate classification (germline): Pathogenic/Likely pathogenic. Review status: criteria provided, multiple submitters, no conflicts (2 of 4 stars). 3 submissions from 3 submitters: Pathogenic (2); Likely pathogenic (1). Last evaluated 2025-03-20.

Conditions:
Hereditary cancer-predisposing syndrome. Also called: Tumor predisposition; Hereditary Cancer Syndrome; Hereditary neoplastic syndrome; Neoplastic Syndromes, Hereditary. Identifiers: Orphanet 140162, MedGen C0027672, MeSH D009386, MONDO:0015356.
Familial adenomatous polyposis 2. Also called: COLORECTAL ADENOMATOUS POLYPOSIS, AUTOSOMAL RECESSIVE; MUTYH Polyposis; MUTYH-associated polyposis; MUTYH-related attenuated familial adenomatous polyposis; Adenomas, multiple colorectal; ADENOMAS, MULTIPLE COLORECTAL, AUTOSOMAL RECESSIVE. Identifiers: Orphanet 220460, Orphanet 247798, MedGen C3272841, MONDO:0012041, OMIM 608456.

Allele frequency attached by ClinVar (database versions not stated): gnomAD exomes below 0.00001.

Submissions (3):

Ambry Genetics
Classification: Pathogenic for Hereditary cancer-predisposing syndrome. Last evaluated: 2025-03-20. Review status: criteria provided, single submitter. Criteria: Ambry Variant Classification Scheme 2023. Collection method: clinical testing. Allele origin: germline.
Comment: The c.393_406dup14 variant, located in coding exon 5 of the MUTYH gene, results from a duplication of GGTCTCAGAGGTCA at nucleotide position 393, causing a translational frameshift with a predicted alternate stop codon (p.M136Rfs*15). This variant is considered to be rare based on population cohorts in the Genome Aggregation Database (gnomAD). This alteration is expected to result in loss of function by premature protein truncation or nonsense-mediated mRNA decay. As such, this alteration is interpreted as a disease-causing mutation.

Baylor Genetics
Classification: Likely pathogenic for Familial adenomatous polyposis 2. Last evaluated: 2021-07-24. Review status: criteria provided, single submitter. Criteria: ACMG Guidelines, 2015. Collection method: clinical testing. Allele origin: unknown.

Labcorp Genetics (formerly Invitae), Labcorp
Classification: Pathogenic for Familial adenomatous polyposis 2. Last evaluated: 2016-10-02. Review status: criteria provided, single submitter. Criteria: Invitae Variant Classification Sherloc (09022015). Collection method: clinical testing. Allele origin: germline.
Comment: This sequence change inserts 14 nucleotides in exon 5 of the MUTYH mRNA (c.393_406dupGGTCTCAGAGGTCA), causing a frameshift at codon 136. This creates a premature translational stop signal (p.Met136Argfs*15) and is expected to result in an absent or disrupted protein product. While this particular variant has not been reported in the literature, loss-of-function variants in MUTYH are known to be pathogenic (PMID: 20663686, 18534194). For these reasons, this variant has been classified as Pathogenic.

Literature cited by the submitters: PubMed 20663686 (cited by Labcorp Genetics (formerly Invitae), Labcorp); PubMed 18534194 (cited by Labcorp Genetics (formerly Invitae), Labcorp).